The following is an entry in ClinVar:

ClinVar aggregate classification (germline): Uncertain significance (1 of 4 stars; one submission).

Conditions:
Hereditary breast ovarian cancer syndrome. Also called: Hereditary breast and ovarian cancer syndrome; Hereditary breast and/or ovarian cancer syndrome; Hereditary breast and ovarian cancer; Breast and ovarian cancer; Hereditary breast and ovarian cancer syndrome (HBOC); BRCA1- and BRCA2-Associated Hereditary Breast and Ovarian Cancer. Identifiers: Orphanet 145, MedGen C0677776, MeSH D061325, MONDO:0003582. Disease mechanism: loss of function.

Submission:

Labcorp Genetics (formerly Invitae), Labcorp
Classification: Uncertain significance for Hereditary breast ovarian cancer syndrome. Last evaluated: 2024-08-16. Review status: criteria provided, single submitter. Criteria: Invitae Variant Classification Sherloc (09022015). Collection method: clinical testing. Allele origin: germline.
Comment: This sequence change affects codon 198 of the BRCA1 mRNA. It is a 'silent' change, meaning that it does not change the encoded amino acid sequence of the BRCA1 protein. It affects a nucleotide within the consensus splice site. This variant is not present in population databases (gnomAD no frequency). This variant has not been reported in the literature in individuals affected with BRCA1-related conditions. Algorithms developed to predict the effect of sequence changes on RNA splicing suggest that this variant is not likely to affect RNA splicing. In summary, the available evidence is currently insufficient to determine the role of this variant in disease. Therefore, it has been classified as a Variant of Uncertain Significance.

NM_007294.4(BRCA1):c.594T>C (p.Ser198=)

Gene: BRCA1 (BRCA1 DNA repair associated; minus strand). Cytogenetic location: 17q21.31.
Variant type: single nucleotide variant.
Coding change: c.594T>C on transcript NM_007294.4 (MANE Select); coding-DNA position 594, T replaced by C.
Protein change: p.Ser198=; no amino-acid change (serine 198 retained).
Molecular consequence: synonymous variant. On other transcripts: intron variant (115).
Genome position (GRCh38, 1-based): chr17:43,095,922, A>G on the plus strand (T>C on the coding strand, the complement: BRCA1 is on the minus strand). VCF-style: chr17-43095922-A-G. GRCh37 (hg19) VCF-style: chr17-41247939-A-G.
Other names: c.548-1062T>C (NM_001408441.1, NM_001407939.1, NM_001407683.1 and 34 more transcripts); c.594T>C, p.Ser198= (NM_001407603.1, NM_001407605.1, NM_001407616.1 and 58 more transcripts); c.591T>C, p.Ser197= (NM_001407614.1, NM_001407613.1, NM_001407615.1 and 41 more transcripts); c.453T>C, p.Ser151= (NM_001408466.1, NM_001408467.1, NM_001408469.1 and 43 more transcripts); c.450T>C, p.Ser150= (NM_001408468.1, NM_001408470.1, NM_001407740.1 and 26 more transcripts); c.384T>C, p.Ser128= (NM_001408478.1, NM_001408479.1, NM_001408480.1 and 27 more transcripts); c.381T>C, p.Ser127= (NM_001408490.1, NM_001408491.1, NM_001408493.1 and 12 more transcripts); c.213T>C, p.Ser71= (NM_001408510.1, NM_001407959.1, NM_001407960.1 and 1 more transcripts); and 17 more.
Identifiers: ClinVar variation 3662640 (VCV003662640.2).
Genomic context (GRCh38, chr17:43,095,922, plus strand): 5'-CAAACTGATTTCATCCCTGGTTCCTTGAGGGGTGATTTGTAACAATTCTTGATCTCCCAC[A>G]CTATAGGGAAAAGACAGAGTCCTAATAAGAAACACTAGTTACATGTATGCAGAACTGTCA-3'
Protein context (NP_009225.1, residues 188-208): EDTVNKATYC[Ser198=]VGDQELLQIT